The following is an entry in ClinVar:

NM_001170629.2(CHD8):c.7000C>T (p.Arg2334Trp)

Genes: CHD8 (chromodomain helicase DNA binding protein 8; minus strand), LOC126861888 (CDK7 strongly-dependent group 2 enhancer GRCh37_chr14:21859227-21860426; plus strand). Cytogenetic location: 14q11.2.
Variant type: single nucleotide variant.
Coding change: c.7000C>T on transcript NM_001170629.2 (MANE Select); coding-DNA position 7000, C replaced by T.
Protein change: p.Arg2334Trp; replaces arginine 2334 with tryptophan.
Molecular consequence: missense variant.
Genome position (GRCh38, 1-based): chr14:21,391,528, G>A on the plus strand (C>T on the coding strand, the complement: CHD8 is on the minus strand). VCF-style: chr14-21391528-G-A. GRCh37 (hg19) VCF-style: chr14-21859687-G-A.
Other names: c.6163C>T, p.Arg2055Trp (NM_020920.4); short protein forms R2055W, R2334W.
Identifiers: ClinVar variation 1706251 (VCV001706251.4), dbSNP rs75084078, ClinGen allele CA7090630.

ClinVar aggregate classification (germline): Conflicting classifications of pathogenicity. Review status: criteria provided, conflicting classifications (1 of 4 stars). 3 submissions from 3 submitters: Uncertain significance (2); Likely benign (1). Last evaluated 2025-11-25.

Conditions:
CHD8-related disorder. Also called: CHD8-related condition; CHD8-related disorders.

Allele frequency attached by ClinVar (database versions not stated): TOPMed 0.00002; gnomAD exomes 0.00003; gnomAD 0.00004; 1000 Genomes Project 30x 0.00016; 1000 Genomes Project 0.00020.
gnomAD v4.1: 45 of 1,613,812 alleles (0.0028%); highest among the groups gnomAD compares: Non-Finnish European, 0.0036%; no homozygotes.

Submissions (3):

Labcorp Genetics (formerly Invitae), Labcorp
Classification: Likely benign. Last evaluated: 2025-11-25. Review status: criteria provided, single submitter. Criteria: Invitae Variant Classification Sherloc (09022015). Collection method: clinical testing. Allele origin: germline.

PreventionGenetics, part of Exact Sciences
Classification: Uncertain significance for CHD8-related condition. Last evaluated: 2024-12-01. Review status: criteria provided, single submitter. Criteria: ACMG Guidelines, 2015. Collection method: clinical testing. Allele origin: germline.
Comment: The CHD8 c.7000C>T variant is predicted to result in the amino acid substitution p.Arg2334Trp. This variant was reported in large scale exome study in an individual with Neurodevelopmental disorder, where no additional information was provided (Table S4, Wang et al. 2020. PubMed ID: 33004838). This variant is reported in 0.0033% of alleles in individuals of South Asian descent in gnomAD. At this time, the clinical significance of this variant is uncertain due to the absence of conclusive functional and genetic evidence.

GeneDx
Classification: Uncertain significance. Last evaluated: 2022-03-15. Review status: criteria provided, single submitter. Criteria: GeneDx Variant Classification Process June 2021. Collection method: clinical testing. Allele origin: germline. Affected: yes.
Comment: Identified in an individual with a neurodevelopmental disorder, but segregation and detailed clinical information was not provided (Wang et al., 2020); Not observed at significant frequency in large population cohorts (gnomAD); In silico analysis supports that this missense variant has a deleterious effect on protein structure/function; This variant is associated with the following publications: (PMID: 33004838)